The following is an entry in ClinVar:

NM_005618.4(DLL1):c.1829C>T (p.Thr610Met)

Gene: DLL1 (delta like canonical Notch ligand 1; minus strand). Cytogenetic location: 6q27.
Variant type: single nucleotide variant.
Coding change: c.1829C>T on transcript NM_005618.4 (MANE Select); coding-DNA position 1829, C replaced by T.
Protein change: p.Thr610Met; replaces threonine 610 with methionine.
Molecular consequence: missense variant.
Genome position (GRCh38, 1-based): chr6:170,283,450, G>A on the plus strand (C>T on the coding strand, the complement: DLL1 is on the minus strand). VCF-style: chr6-170283450-G-A. GRCh37 (hg19) VCF-style: chr6-170592538-G-A.
Other names: c.1829C>T (NM_005618.3); short protein forms T610M.
Identifiers: ClinVar variation 1572361 (VCV001572361.39), dbSNP rs139409566, ClinGen allele CA4106714.

ClinVar aggregate classification (germline): Likely benign. Review status: criteria provided, multiple submitters, no conflicts (2 of 4 stars). 3 submissions from 3 submitters: Likely benign (2). 1 of the submissions does not count toward it. Last evaluated 2025-11-18.

Conditions:
DLL1-related disorder. Also called: DLL1-related condition.

Allele frequency attached by ClinVar (database versions not stated): 1000 Genomes Project 0.00020; 1000 Genomes Project 30x 0.00031; ESP Exome Variant Server 0.00031; gnomAD exomes 0.00042 and 0.00047; TOPMed 0.00043; gnomAD 0.00047 and 0.00048; ExAC 0.00059.
gnomAD v4.1: 749 of 1,612,362 alleles (0.046%); highest among the groups gnomAD compares: Middle Eastern, 0.12%; no homozygotes.

Submissions (3):

Labcorp Genetics (formerly Invitae), Labcorp
Classification: Likely benign. Last evaluated: 2025-11-18. Review status: criteria provided, single submitter. Criteria: Invitae Variant Classification Sherloc (09022015). Collection method: clinical testing. Allele origin: germline.

CeGaT Center for Human Genetics Tuebingen
Classification: Likely benign. Last evaluated: 2022-06-01. Review status: criteria provided, single submitter. Criteria: CeGaT Center For Human Genetics Tuebingen Variant Classification Criteria Version 2. Collection method: clinical testing. Allele origin: germline. Affected: yes. Observed: 1 variant allele.
Comment: DLL1: BS1

PreventionGenetics, part of Exact Sciences
Classification: Likely benign for DLL1-related condition. Last evaluated: 2024-05-08. Review status: no assertion criteria provided. Collection method: clinical testing. Allele origin: germline. Not counted in ClinVar's aggregate classification.
Comment: This variant is classified as likely benign based on ACMG/AMP sequence variant interpretation guidelines (Richards et al. 2015 PMID: 25741868, with internal and published modifications).